The following is an entry in ClinVar:

ClinVar aggregate classification (germline): Pathogenic (1 of 4 stars; one submission).

Conditions:
Hereditary cancer-predisposing syndrome. Also called: Neoplastic Syndromes, Hereditary; Tumor predisposition; Hereditary neoplastic syndrome; Hereditary Cancer Syndrome. Identifiers: Orphanet 140162, MedGen C0027672, MeSH D009386, MONDO:0015356.

Submission:

Ambry Genetics
Classification: Pathogenic for Hereditary cancer-predisposing syndrome. Last evaluated: 2019-08-12. Review status: criteria provided, single submitter. Criteria: Ambry Variant Classification Scheme 2023. Collection method: clinical testing. Allele origin: germline.
Comment: The c.3518delT pathogenic mutation, located in coding exon 23 of the ATM gene, results from a deletion of one nucleotide at nucleotide position 3518, causing a translational frameshift with a predicted alternate stop codon (p.L1173Cfs*8). This alteration is expected to result in loss of function by premature protein truncation or nonsense-mediated mRNA decay. As such, this alteration is interpreted as a disease-causing mutation.

NM_000051.4(ATM):c.3518del (p.Leu1173fs)

Gene: ATM (ATM serine/threonine kinase; plus strand). Cytogenetic location: 11q22.3.
Variant type: Deletion.
Coding change: c.3518del on transcript NM_000051.4 (MANE Select); coding-DNA position 3518, one base deleted (T; older notation c.3518delT).
Protein change: p.Leu1173fs; shifts the reading frame from leucine 1173.
Molecular consequence: frameshift variant.
Genome position (GRCh38, 1-based): chr11:108,281,110, T deleted; the last of 3 consecutive T bases (chr11:108,281,108-108,281,110); deleting any one gives the same sequence. VCF-style (leftmost placement, unchanged base first): chr11-108281107-CT-C. GRCh37 (hg19) VCF-style: chr11-108151834-CT-C.
Other names: c.3518del, p.Leu1173fs (NM_001351834.2); short protein forms L1173fs.
Identifiers: ClinVar variation 823875 (VCV000823875.4), dbSNP rs1591636817, ClinGen allele CA915944398.
Genomic context (GRCh38, chr11:108,281,107, plus strand): 5'-CTGTTTTACTGACGTTGATAGCTGTGGTTTTATCCTGTAGCCCTATCTGCGAAAAACAGG[CT>C]TTGTTTGCCCTGTGTAAATCTGTGAAAGAGAATGGATTAGAACCTCACCTTGTGAAAAAG-3'